The following is an entry in ClinVar:

NM_153676.4(USH1C):c.582C>T (p.Gly194=)

Gene: USH1C (USH1 protein network component harmonin; minus strand). Cytogenetic location: 11p15.1.
Variant type: single nucleotide variant.
Coding change: c.582C>T on transcript NM_153676.4 (MANE Select); coding-DNA position 582, C replaced by T.
Protein change: p.Gly194=; no amino-acid change (glycine 194 retained).
Molecular consequence: synonymous variant. On other transcripts: non-coding transcript variant (1).
Genome position (GRCh38, 1-based): chr11:17,526,439, G>A on the plus strand (C>T on the coding strand, the complement: USH1C is on the minus strand). VCF-style: chr11-17526439-G-A. GRCh37 (hg19) VCF-style: chr11-17547986-G-A.
Other names: c.582C>T, p.Gly194= (NM_001297764.2, NM_005709.4).
Identifiers: ClinVar variation 48019 (VCV000048019.11), dbSNP rs397517882, ClinGen allele CA142386.

ClinVar aggregate classification (germline): Likely benign. Review status: criteria provided, multiple submitters, no conflicts (2 of 4 stars). 3 submissions from 3 submitters: Likely benign (2). 1 of the submissions does not count toward it. Last evaluated 2025-09-08.

Conditions:
Autosomal recessive nonsyndromic hearing loss 18A. Also called: DEAFNESS, AUTOSOMAL RECESSIVE 18; Deafness, autosomal recessive 18A. Identifiers: Orphanet 90636, MedGen C1865870, MONDO:0011192, OMIM 602092.
Usher syndrome type 1C. Also called: USHER SYNDROME, TYPE I, ACADIAN VARIETY. Identifiers: Orphanet 231169, Orphanet 886, MedGen C1848604, MONDO:0010171, OMIM 276904.

Allele frequency attached by ClinVar (database versions not stated): gnomAD 0.00001 and 0.00002; gnomAD exomes 0.00002; TOPMed 0.00002; ExAC 0.00003; 1000 Genomes Project 30x 0.00016; 1000 Genomes Project 0.00020.
gnomAD v4.1: 13 of 1,613,684 alleles (0.00081%); highest among the groups gnomAD compares: East Asian, 0.0045%; no homozygotes.

Submissions (3):

Labcorp Genetics (formerly Invitae), Labcorp
Classification: Likely benign. Last evaluated: 2025-09-08. Review status: criteria provided, single submitter. Criteria: Invitae Variant Classification Sherloc (09022015). Collection method: clinical testing. Allele origin: germline.

Laboratory for Molecular Medicine, Mass General Brigham Personalized Medicine
Classification: Likely benign. Last evaluated: 2012-08-14. Review status: criteria provided, single submitter. Criteria: LMM Criteria. Collection method: clinical testing. Allele origin: germline. Observed: 1 variant allele.
Comment: Gly194Gly in exon 8 of USH1C: This variant is not expected to have clinical sign ificance because it does not alter an amino acid residue and is not located with in the conserved region splice consensus sequence.

Counsyl
Classification: Likely benign for Usher syndrome type 1C; Autosomal recessive nonsyndromic hearing loss 18A. Last evaluated: 2017-02-02. Review status: no assertion criteria provided. Collection method: clinical testing. Allele origin: unknown. Not counted in ClinVar's aggregate classification.